The following is an entry in ClinVar:

NM_000257.4(MYH7):c.2094G>A (p.Val698=)

Gene: MYH7 (myosin heavy chain 7; minus strand). Cytogenetic location: 14q11.2.
Variant type: single nucleotide variant.
Coding change: c.2094G>A on transcript NM_000257.4 (MANE Select); coding-DNA position 2094, G replaced by A.
Protein change: p.Val698=; no amino-acid change (valine 698 retained).
Molecular consequence: synonymous variant.
Genome position (GRCh38, 1-based): chr14:23,426,032, C>T on the plus strand (G>A on the coding strand, the complement: MYH7 is on the minus strand). VCF-style: chr14-23426032-C-T. GRCh37 (hg19) VCF-style: chr14-23895241-C-T.
Other names: c.2094G>A, p.Val698= (NM_001407004.1).
Identifiers: ClinVar variation 3017691 (VCV003017691.5), dbSNP rs1892684706, ClinGen allele CA485766932.

ClinVar aggregate classification (germline): Likely benign. Review status: criteria provided, multiple submitters, no conflicts (2 of 4 stars). 3 submissions from 3 submitters: Likely benign (3). Last evaluated 2024-02-05.

Conditions:
Cardiomyopathy (CMYO). Also called: Cardiomyopathies. Identifiers: Orphanet 167848, MedGen C0878544, MONDO:0004994, HP:0001638. Inheritance: Various modes of inheritance.
Hypertrophic cardiomyopathy. Also called: HYPERTROPHIC MYOCARDIOPATHY. Identifiers: Orphanet 217569, MedGen C0007194, MeSH D002312, MONDO:0005045, HP:0001639.

Allele frequency attached by ClinVar (database versions not stated): gnomAD exomes below 0.00001; TOPMed below 0.00001.
gnomAD v4.1: 1 of 1,614,214 alleles (0.000062%); highest among the groups gnomAD compares: Non-Finnish European, 0.000085%; no homozygotes.

Submissions (3):

All of Us Research Program, National Institutes of Health
Classification: Likely benign for Cardiomyopathy. Last evaluated: 2024-02-05. Review status: criteria provided, single submitter. Criteria: ACMG Guidelines, 2015. Collection method: clinical testing. Allele origin: germline. Inheritance: Autosomal dominant inheritance. Observed: 1 variant allele, 1 heterozygote.
Comment: This study involves interpretation of variants in research participants for the purpose of population health screening. Participant phenotype was not available at the time of variant classification. Additional details can be found in publication PMID: 35346344, PMCID: PMC8962531

Labcorp Genetics (formerly Invitae), Labcorp
Classification: Likely benign for Hypertrophic cardiomyopathy. Last evaluated: 2023-03-14. Review status: criteria provided, single submitter. Criteria: Invitae Variant Classification Sherloc (09022015). Collection method: clinical testing. Allele origin: germline.

Color Diagnostics, LLC DBA Color Health
Classification: Likely benign for Cardiomyopathy. Last evaluated: 2022-10-05. Review status: criteria provided, single submitter. Criteria: ACMG Guidelines, 2015. Collection method: clinical testing. Allele origin: germline.